The following is an entry in ClinVar:

NM_032119.4(ADGRV1):c.6822_6825dup (p.Ile2276fs)

Gene: ADGRV1 (adhesion G protein-coupled receptor V1; plus strand). Cytogenetic location: 5q14.3.
Variant type: Duplication.
Coding change: c.6822_6825dup on transcript NM_032119.4 (MANE Select); coding-DNA positions 6822 to 6825, 4 bases duplicated (CACC; older notation c.6822_6825dupCACC).
Protein change: p.Ile2276fs; shifts the reading frame from isoleucine 2276.
Molecular consequence: frameshift variant. On other transcripts: non-coding transcript variant (1).
Genome position (GRCh38, 1-based): chr5:90,690,912-90,690,915, CACC duplicated; duplicating any 4 consecutive bases within chr5:90,690,911-90,690,915 gives the same sequence; the c. name uses the placement nearest the transcript's 3' end. VCF-style (leftmost placement, unchanged base first): chr5-90690910-G-GCCAC. GRCh37 (hg19) VCF-style: chr5-89986727-G-GCCAC.
Other names: c.6822_6825dupCACC (NM_032119.3); short protein forms I2276fs.
Identifiers: ClinVar variation 2821118 (VCV002821118.4), dbSNP rs2530906188, ClinGen allele CA2739274834.

ClinVar aggregate classification (germline): Pathogenic/Likely pathogenic. Review status: criteria provided, multiple submitters, no conflicts (2 of 4 stars). 2 submissions from 2 submitters: Pathogenic (1); Likely pathogenic (1). Last evaluated 2025-09-11.

Conditions:
ADGRV1-related disorder. Also called: ADGRV1-related condition; ADGRV1-related disorders.

Submissions (2):

PreventionGenetics, part of Exact Sciences
Classification: Likely pathogenic for ADGRV1-related condition. Last evaluated: 2025-09-11. Review status: criteria provided, single submitter. Criteria: ACMG Guidelines, 2015. Collection method: clinical testing. Allele origin: germline.
Comment: The ADGRV1 c.6822_6825dupCACC variant is predicted to result in a frameshift and premature protein termination (p.Ile2276Hisfs*3). To our knowledge, this variant has not been reported in the literature or in a large population database (gnomAD), indicating this variant is rare. Frameshift variants in ADGRV1 are expected to be pathogenic. This variant is interpreted as likely pathogenic.

Labcorp Genetics (formerly Invitae), Labcorp
Classification: Pathogenic. Last evaluated: 2022-12-15. Review status: criteria provided, single submitter. Criteria: Invitae Variant Classification Sherloc (09022015). Collection method: clinical testing. Allele origin: germline.
Comment: For these reasons, this variant has been classified as Pathogenic. This variant has not been reported in the literature in individuals affected with ADGRV1-related conditions. This sequence change creates a premature translational stop signal (p.Ile2276Hisfs*3) in the ADGRV1 gene. It is expected to result in an absent or disrupted protein product. Loss-of-function variants in ADGRV1 are known to be pathogenic (PMID: 19357117, 22135276, 22147658, 26226137, 30718709, 31047384, 32467589). This variant is not present in population databases (gnomAD no frequency).

Literature cited by the submitters: PubMed 19357117 (cited by Labcorp Genetics (formerly Invitae), Labcorp); PubMed 22135276 (cited by Labcorp Genetics (formerly Invitae), Labcorp); PubMed 22147658 (cited by Labcorp Genetics (formerly Invitae), Labcorp); PubMed 26226137 (cited by Labcorp Genetics (formerly Invitae), Labcorp); PubMed 30718709 (cited by Labcorp Genetics (formerly Invitae), Labcorp); PubMed 31047384 (cited by Labcorp Genetics (formerly Invitae), Labcorp); PubMed 32467589 (cited by Labcorp Genetics (formerly Invitae), Labcorp).